The following is an entry in ClinVar:

NM_020987.5(ANK3):c.8387G>A (p.Ser2796Asn)

Gene: ANK3 (ankyrin 3; minus strand). Cytogenetic location: 10q21.2.
Variant type: single nucleotide variant.
Coding change: c.8387G>A on transcript NM_020987.5 (MANE Select); coding-DNA position 8387, G replaced by A.
Protein change: p.Ser2796Asn; replaces serine 2796 with asparagine.
Molecular consequence: missense variant. On other transcripts: intron variant (4).
Genome position (GRCh38, 1-based): chr10:60,072,494, C>T on the plus strand (G>A on the coding strand, the complement: ANK3 is on the minus strand). VCF-style: chr10-60072494-C-T. GRCh37 (hg19) VCF-style: chr10-61832252-C-T.
Other names: c.4388-4485G>A (NM_001204403.2); c.4409-4485G>A (NM_001204404.2); c.4406-4485G>A (NM_001320874.2); c.1808-4485G>A (NM_001149.4); short protein forms S2796N.
Identifiers: ClinVar variation 1464459 (VCV001464459.12), dbSNP rs766834377, ClinGen allele CA5511557.

ClinVar aggregate classification (germline): Uncertain significance. Review status: criteria provided, multiple submitters, no conflicts (2 of 4 stars). 2 submissions from 2 submitters: Uncertain significance (2). Last evaluated 2025-10-01.

Allele frequency attached by ClinVar (database versions not stated): gnomAD exomes below 0.00001 and 0.00001; ExAC 0.00001.
gnomAD v4.1: 3 of 1,613,940 alleles (0.00019%); highest among the groups gnomAD compares: Admixed American, 0.0017%; no homozygotes.

Submissions (2):

CeGaT Center for Human Genetics Tuebingen
Classification: Uncertain significance. Last evaluated: 2025-10-01. Review status: criteria provided, single submitter. Criteria: CeGaT Center For Human Genetics Tuebingen Variant Classification Criteria Version 2. Collection method: clinical testing. Allele origin: germline. Affected: yes. Observed: 1 variant allele.
Comment: ANK3: PM2, BP4

Labcorp Genetics (formerly Invitae), Labcorp
Classification: Uncertain significance. Last evaluated: 2024-02-17. Review status: criteria provided, single submitter. Criteria: Invitae Variant Classification Sherloc (09022015). Collection method: clinical testing. Allele origin: germline.
Comment: This sequence change replaces serine, which is neutral and polar, with asparagine, which is neutral and polar, at codon 2796 of the ANK3 protein (p.Ser2796Asn). This variant is present in population databases (rs766834377, gnomAD 0.0009%). This variant has not been reported in the literature in individuals affected with ANK3-related conditions. ClinVar contains an entry for this variant (Variation ID: 1464459). Advanced modeling of protein sequence and biophysical properties (such as structural, functional, and spatial information, amino acid conservation, physicochemical variation, residue mobility, and thermodynamic stability) performed at Invitae indicates that this missense variant is not expected to disrupt ANK3 protein function with a negative predictive value of 80%. In summary, the available evidence is currently insufficient to determine the role of this variant in disease. Therefore, it has been classified as a Variant of Uncertain Significance.